The following is an entry in ClinVar:

NM_001130823.3(DNMT1):c.2630A>G (p.Lys877Arg)

Gene: DNMT1 (DNA methyltransferase 1; minus strand). Cytogenetic location: 19p13.2.
Variant type: single nucleotide variant.
Coding change: c.2630A>G on transcript NM_001130823.3 (MANE Select); coding-DNA position 2630, A replaced by G.
Protein change: p.Lys877Arg; replaces lysine 877 with arginine.
Molecular consequence: missense variant.
Genome position (GRCh38, 1-based): chr19:10,148,974, T>C on the plus strand (A>G on the coding strand, the complement: DNMT1 is on the minus strand). VCF-style: chr19-10148974-T-C. GRCh37 (hg19) VCF-style: chr19-10259650-T-C.
Other names: c.2582A>G, p.Lys861Arg (NM_001318730.2, NM_001379.4); c.2267A>G, p.Lys756Arg (NM_001318731.2); short protein forms K756R, K861R, K877R.
Identifiers: ClinVar variation 1313363 (VCV001313363.2), dbSNP rs2145291695, ClinGen allele CA403926576.

ClinVar aggregate classification (germline): Uncertain significance (1 of 4 stars; one submission).

Submission:

GeneDx
Classification: Uncertain significance. Last evaluated: 2020-10-21. Review status: criteria provided, single submitter. Criteria: GeneDx Variant Classification Process June 2021. Collection method: clinical testing. Allele origin: germline. Affected: yes.
Comment: Not observed in large population cohorts (Lek et al., 2016); In silico analysis supports that this missense variant does not alter protein structure/function; Has not been previously published as pathogenic or benign to our knowledge